The following is an entry in ClinVar:

NM_212482.4(FN1):c.1567A>G (p.Ile523Val)

Genes: FN1 (fibronectin 1; minus strand), LOC122861289 (Sharpr-MPRA regulatory region 10603; plus strand). Cytogenetic location: 2q35.
Variant type: single nucleotide variant.
Coding change: c.1567A>G on transcript NM_212482.4 (MANE Select); coding-DNA position 1567, A replaced by G.
Protein change: p.Ile523Val; replaces isoleucine 523 with valine.
Molecular consequence: missense variant.
Genome position (GRCh38, 1-based): chr2:215,420,781, T>C on the plus strand (A>G on the coding strand, the complement: FN1 is on the minus strand). VCF-style: chr2-215420781-T-C. GRCh37 (hg19) VCF-style: chr2-216285504-T-C.
Other names: c.1567A>G, p.Ile523Val (NM_001306129.2, NM_001306130.2, NM_001306131.2 and 14 more transcripts); short protein forms I523V.
Identifiers: ClinVar variation 3651094 (VCV003651094.2).

ClinVar aggregate classification (germline): Uncertain significance (1 of 4 stars; one submission).

Submission:

Labcorp Genetics (formerly Invitae), Labcorp
Classification: Uncertain significance. Last evaluated: 2024-05-02. Review status: criteria provided, single submitter. Criteria: Invitae Variant Classification Sherloc (09022015). Collection method: clinical testing. Allele origin: germline.
Comment: This sequence change replaces isoleucine, which is neutral and non-polar, with valine, which is neutral and non-polar, at codon 523 of the FN1 protein (p.Ile523Val). This variant is not present in population databases (gnomAD no frequency). This variant has not been reported in the literature in individuals affected with FN1-related conditions. Advanced modeling of protein sequence and biophysical properties (such as structural, functional, and spatial information, amino acid conservation, physicochemical variation, residue mobility, and thermodynamic stability) performed at Invitae indicates that this missense variant is not expected to disrupt FN1 protein function with a negative predictive value of 80%. In summary, the available evidence is currently insufficient to determine the role of this variant in disease. Therefore, it has been classified as a Variant of Uncertain Significance.